The following is an entry in ClinVar:

NM_024757.5(EHMT1):c.405G>T (p.Gln135His)

Gene: EHMT1 (euchromatic histone lysine methyltransferase 1; plus strand). Cytogenetic location: 9q34.3.
Variant type: single nucleotide variant.
Coding change: c.405G>T on transcript NM_024757.5 (MANE Select); coding-DNA position 405, G replaced by T.
Protein change: p.Gln135His; replaces glutamine 135 with histidine.
Molecular consequence: missense variant.
Genome position (GRCh38, 1-based): chr9:137,716,945, G>T. VCF-style: chr9-137716945-G-T. GRCh37 (hg19) VCF-style: chr9-140611397-G-T.
Other names: c.405G>T, p.Gln135His (NM_001145527.2, NM_001354263.2, NM_001354611.2); c.312G>T, p.Gln104His (NM_001354259.2, NM_001354612.2); short protein forms Q135H, Q104H.
Identifiers: ClinVar variation 365995 (VCV000365995.14), dbSNP rs200982880, ClinGen allele CA5374299.

ClinVar aggregate classification (germline): Conflicting classifications of pathogenicity. Review status: criteria provided, conflicting classifications (1 of 4 stars). 4 submissions from 4 submitters: Uncertain significance (1); Likely benign (3). Last evaluated 2026-09-01.

Conditions:
Intellectual disability. Also called: Intellectual functioning disability; intellectual disabilities; Intellectual developmental disorder. Identifiers: MedGen C3714756, MeSH D008607, MONDO:0001071, HP:0001249.
Inborn genetic diseases. Identifiers: MedGen C0950123, MeSH D030342.
Kleefstra syndrome 1 (KLEFS1). Identifiers: Orphanet 261494, MedGen C0795833, MONDO:0027407, OMIM 610253.

Allele frequency attached by ClinVar (database versions not stated): gnomAD 0.00003 and 0.00004; TOPMed 0.00007; ESP Exome Variant Server 0.00008.
gnomAD v4.1: 159 of 1,612,802 alleles (0.0099%); highest among the groups gnomAD compares: Non-Finnish European, 0.013%; no homozygotes.

Submissions (4):

CeGaT Center for Human Genetics Tuebingen
Classification: Likely benign. Last evaluated: 2026-09-01. Review status: criteria provided, single submitter. Criteria: CeGaT Center For Human Genetics Tuebingen Variant Classification Criteria Version 2. Collection method: clinical testing. Allele origin: germline. Affected: yes. Observed: 1 variant allele.
Comment: EHMT1: BP4

Ambry Genetics
Classification: Likely benign for Inborn genetic diseases. Last evaluated: 2026-07-22. Review status: criteria provided, single submitter. Criteria: Ambry Variant Classification Scheme 2023. Collection method: clinical testing. Allele origin: germline.

Labcorp Genetics (formerly Invitae), Labcorp
Classification: Likely benign for Kleefstra syndrome 1. Last evaluated: 2025-10-01. Review status: criteria provided, single submitter. Criteria: Invitae Variant Classification Sherloc (09022015). Collection method: clinical testing. Allele origin: germline.

Cambridge Genomics Laboratory, East Genomic Laboratory Hub, NHS Genomic Medicine Service
Classification: Uncertain significance for Intellectual disability. Last evaluated: 2020-05-15. Review status: criteria provided, single submitter. Criteria: ACGS Best Practice Guidelines for Variant Classification in Rare Disease 2020. Collection method: clinical testing. Allele origin: germline. Affected: yes. Observed: 1 variant allele.